The following is an entry in ClinVar:

NM_002242.4(KCNJ13):c.778G>A (p.Glu260Lys)

Genes: KCNJ13 (potassium inwardly rectifying channel subfamily J member 13; minus strand), GIGYF2 (GRB10 interacting GYF protein 2; plus strand). Cytogenetic location: 2q37.1.
Variant type: single nucleotide variant.
Coding change: c.778G>A on transcript NM_002242.4 (MANE Select); coding-DNA position 778, G replaced by A.
Protein change: p.Glu260Lys; replaces glutamic acid 260 with lysine.
Molecular consequence: missense variant. On other transcripts: 3 prime UTR variant (1), intron variant (4).
Genome position (GRCh38, 1-based): chr2:232,768,496, C>T on the plus strand (G>A on the coding strand, the complement: KCNJ13 is on the minus strand). VCF-style: chr2-232768496-C-T. GRCh37 (hg19) VCF-style: chr2-233633206-C-T.
Other names: c.*257G>A (NM_001172416.1); c.538G>A, p.Glu180Lys (NM_001172417.1); c.532+7060C>T (NM_001103146.3, NM_015575.4, NM_001103147.2 and 1 more transcripts); short protein forms E180K, E260K.
Identifiers: ClinVar variation 1714169 (VCV001714169.5), dbSNP rs371946844, ClinGen allele CA2169987.

ClinVar aggregate classification (germline): Uncertain significance (1 of 4 stars; one submission).

Allele frequency attached by ClinVar (database versions not stated): gnomAD exomes below 0.00001; TOPMed below 0.00001; ExAC 0.00001; gnomAD 0.00001; ESP Exome Variant Server 0.00008.
gnomAD v4.1: 2 of 1,614,040 alleles (0.00012%); highest among the groups gnomAD compares: African/African-American, 0.0013%; no homozygotes.

Submission:

Labcorp Genetics (formerly Invitae), Labcorp
Classification: Uncertain significance. Last evaluated: 2022-07-29. Review status: criteria provided, single submitter. Criteria: Invitae Variant Classification Sherloc (09022015). Collection method: clinical testing. Allele origin: germline.
Comment: This sequence change replaces glutamic acid, which is acidic and polar, with lysine, which is basic and polar, at codon 260 of the KCNJ13 protein (p.Glu260Lys). This variant is present in population databases (rs371946844, gnomAD 0.007%). This variant has not been reported in the literature in individuals affected with KCNJ13-related conditions. Algorithms developed to predict the effect of missense changes on protein structure and function (SIFT, PolyPhen-2, Align-GVGD) all suggest that this variant is likely to be tolerated. In summary, the available evidence is currently insufficient to determine the role of this variant in disease. Therefore, it has been classified as a Variant of Uncertain Significance.